The following is an entry in ClinVar:

NM_000179.3(MSH6):c.175C>T (p.Pro59Ser)

Gene: MSH6 (mutS homolog 6; plus strand). Cytogenetic location: 2p16.3.
Variant type: single nucleotide variant.
Coding change: c.175C>T on transcript NM_000179.3 (MANE Select); coding-DNA position 175, C replaced by T.
Protein change: p.Pro59Ser; replaces proline 59 with serine.
Molecular consequence: missense variant. On other transcripts: 5 prime UTR variant (1).
Genome position (GRCh38, 1-based): chr2:47,783,408, C>T. VCF-style: chr2-47783408-C-T. GRCh37 (hg19) VCF-style: chr2-48010547-C-T.
Other names: c.175C>T, p.Pro59Ser (NM_001281492.2); c.-562C>T (NM_001281493.2); short protein forms P59S.
Identifiers: ClinVar variation 423368 (VCV000423368.25), dbSNP rs761033647, ClinGen allele CA068115.

ClinVar aggregate classification (germline): Conflicting classifications of pathogenicity. Review status: criteria provided, conflicting classifications (1 of 4 stars). 7 submissions from 7 submitters: Uncertain significance (6); Likely benign (1). Last evaluated 2025-12-08.

Conditions:
Hereditary cancer-predisposing syndrome. Also called: Hereditary neoplastic syndrome; Neoplastic Syndromes, Hereditary; Tumor predisposition; Hereditary Cancer Syndrome. Identifiers: Orphanet 140162, MedGen C0027672, MeSH D009386, MONDO:0015356.
Hereditary nonpolyposis colorectal neoplasms. Identifiers: MedGen C0009405, MeSH D003123.
Lynch syndrome. Identifiers: Orphanet 144, MedGen C4552100, MONDO:0005835. Disease mechanism: loss of function.
Lynch syndrome 5 (LYNCH5). Also called: Hereditary non-polyposis colorectal cancer, type 5; Colorectal cancer, hereditary nonpolyposis, type 5. Identifiers: Orphanet 144, MedGen C1833477, MONDO:0013710, OMIM 614350. Disease mechanism: loss of function.
Endometrial carcinoma. Also called: Endometrial carcinoma, somatic. Identifiers: MedGen C0476089, MONDO:0002447, OMIM 608089, HP:0012114.

Allele frequency attached by ClinVar (database versions not stated): gnomAD 0.00001; TOPMed 0.00001; gnomAD exomes 0.00003; ExAC 0.00013.
gnomAD v4.1: 19 of 1,530,794 alleles (0.0012%); highest among the groups gnomAD compares: Non-Finnish European, 0.0015%; no homozygotes.

Submissions (7):

Labcorp Genetics (formerly Invitae), Labcorp
Classification: Likely benign for Hereditary nonpolyposis colorectal neoplasms. Last evaluated: 2025-12-08. Review status: criteria provided, single submitter. Criteria: Invitae Variant Classification Sherloc (09022015). Collection method: clinical testing. Allele origin: germline.

Ambry Genetics
Classification: Uncertain significance for Hereditary cancer-predisposing syndrome. Last evaluated: 2024-10-11. Review status: criteria provided, single submitter. Criteria: Ambry Variant Classification Scheme 2023. Collection method: clinical testing. Allele origin: germline.
Comment: The p.P59S variant (also known as c.175C>T), located in coding exon 1 of the MSH6 gene, results from a C to T substitution at nucleotide position 175. The proline at codon 59 is replaced by serine, an amino acid with similar properties. This amino acid position is well conserved in available vertebrate species. In addition, this alteration is predicted to be tolerated by in silico analysis. Since supporting evidence is limited at this time, the clinical significance of this alteration remains unclear.

Molecular Pathology, Peter Maccallum Cancer Centre
Classification: Uncertain significance for Lynch syndrome 5. Last evaluated: 2024-03-20. Review status: criteria provided, single submitter. Criteria: ACMG Guidelines, 2015. Collection method: clinical testing. Allele origin: germline. Inheritance: Autosomal dominant inheritance.

Color Diagnostics, LLC DBA Color Health
Classification: Uncertain significance for Hereditary cancer-predisposing syndrome. Last evaluated: 2024-03-06. Review status: criteria provided, single submitter. Criteria: ACMG Guidelines, 2015. Collection method: clinical testing. Allele origin: germline.
Comment: This missense variant replaces proline with serine at codon 59 of the MSH6 protein. Computational prediction suggests that this variant may not impact protein structure and function (internally defined REVEL score threshold <= 0.5, PMID: 27666373). To our knowledge, functional studies have not been reported for this variant. This variant has not been reported in individuals affected with MSH6-related disorders in the literature. This variant has been identified in 4/133738 chromosomes in the general population by the Genome Aggregation Database (gnomAD). The available evidence is insufficient to determine the role of this variant in disease conclusively. Therefore, this variant is classified as a Variant of Uncertain Significance.

Baylor Genetics
Classification: Uncertain significance for Endometrial carcinoma. Last evaluated: 2024-02-23. Review status: criteria provided, single submitter. Criteria: ACMG Guidelines, 2015. Collection method: clinical testing. Allele origin: unknown.

All of Us Research Program, National Institutes of Health
Classification: Uncertain significance for Lynch syndrome. Last evaluated: 2024-01-11. Review status: criteria provided, single submitter. Criteria: ACMG Guidelines, 2015. Collection method: clinical testing. Allele origin: germline. Inheritance: Autosomal dominant inheritance. Observed: 5 variant alleles, 5 heterozygotes.
Comment: This missense variant replaces proline with serine at codon 59 of the MSH6 protein. Computational prediction suggests that this variant may not impact protein structure and function (internally defined REVEL score threshold <= 0.5, PMID: 27666373). Splice site prediction tools suggest that this variant may not impact RNA splicing. To our knowledge, functional studies have not been performed for this variant. This variant has not been reported in individuals affected with hereditary cancer in the literature. This variant has been identified in 4/133738 chromosomes in the general population by the Genome Aggregation Database (gnomAD). The available evidence is insufficient to determine the role of this variant in disease conclusively. Therefore, this variant is classified as a Variant of Uncertain Significance.

This study involves interpretation of variants in research participants for the purpose of population health screening. Participant phenotype was not available at the time of variant classification. Additional details can be found in publication PMID: 35346344, PMCID: PMC8962531

GeneDx
Classification: Uncertain significance. Last evaluated: 2017-02-06. Review status: criteria provided, single submitter. Criteria: GeneDx Variant Classification (06012015). Collection method: clinical testing. Allele origin: germline. Affected: yes.
Comment: This variant is denoted MSH6 c.175C>T at the cDNA level, p.Pro59Ser (P59S) at the protein level, and results in the change of a Proline to a Serine (CCC>TCC). This variant has not, to our knowledge, been published in the literature as pathogenic or benign. MSH6 Pro59Ser was not observed in approximately 6,500 individuals of European and African American ancestry in the NHLBI Exome Sequencing Project, suggesting it is not a common benign variant in these populations. Since Proline and Serine differ in polarity, charge, size or other properties, this is considered a non-conservative amino acid substitution. MSH6 Pro59Ser occurs at a position that is not conserved and is not located in a known functional domain (UniProt). In silico analyses predict that this variant is unlikely to alter protein structure or function. Based on currently available evidence, it is unclear whether MSH6 Pro59Ser is a pathogenic or benign variant. We consider it to be a variant of uncertain significance.